The following is an entry in ClinVar:

NM_000138.5(FBN1):c.6616+420C>T

Gene: FBN1 (fibrillin 1; minus strand). Cytogenetic location: 15q21.1.
Variant type: single nucleotide variant.
Coding change: c.6616+420C>T on transcript NM_000138.5 (MANE Select); 420 bases into the intron after coding-DNA position 6616, C replaced by T.
Molecular consequence: intron variant.
Genome position (GRCh38, 1-based): chr15:48,434,174, G>A on the plus strand (C>T on the coding strand, the complement: FBN1 is on the minus strand). VCF-style: chr15-48434174-G-A. GRCh37 (hg19) VCF-style: chr15-48726371-G-A.
Identifiers: ClinVar variation 1694743 (VCV001694743.31), dbSNP rs149012823, ClinGen allele CA269524289.

ClinVar aggregate classification (germline): Benign (1 of 4 stars; one submission).

Allele frequency attached by ClinVar (database versions not stated): 1000 Genomes Project 30x 0.00187; 1000 Genomes Project 0.00200; TOPMed 0.00402; gnomAD 0.00422 and 0.00435.
gnomAD v4.1: 642 of 152,194 alleles (0.42%); highest among the groups gnomAD compares: Non-Finnish European, 0.68%; 5 homozygotes.

Submission:

CeGaT Center for Human Genetics Tuebingen
Classification: Benign. Last evaluated: 2024-06-01. Review status: criteria provided, single submitter. Criteria: CeGaT Center For Human Genetics Tuebingen Variant Classification Criteria Version 2. Collection method: clinical testing. Allele origin: germline. Affected: yes. Observed: 4 variant alleles.
Comment: FBN1: BS1, BS2